The following is an entry in ClinVar:

NM_001159699.2(FHL1):c.728C>A (p.Pro243His)

Gene: FHL1 (four and a half LIM domains 1; plus strand). Cytogenetic location: Xq26.3.
Variant type: single nucleotide variant.
Coding change: c.728C>A on transcript NM_001159699.2 (MANE Select); coding-DNA position 728, C replaced by A.
Protein change: p.Pro243His; replaces proline 243 with histidine.
Molecular consequence: missense variant. On other transcripts: non-coding transcript variant (1), intron variant (2).
Genome position (GRCh38, 1-based): chrX:136,208,633, C>A. VCF-style: chrX-136208633-C-A. GRCh37 (hg19) VCF-style: chrX-135290792-C-A.
Other names: c.680C>A (NM_001449.4); c.680C>A, p.Pro227His (NM_001369326.1, NM_001369327.2, NM_001369328.1 and 8 more transcripts); c.501+672C>A (NM_001159703.2); c.549+672C>A (NM_001330659.2); c.767C>A, p.Pro256His (NM_001159701.2); short protein forms P256H, P227H, P243H.
Identifiers: ClinVar variation 1418588 (VCV001418588.10), dbSNP rs746311721, ClinGen allele CA10525051.
Genomic context (GRCh38, chrX:136,208,633, plus strand): 5'-ATTACTGCGTGGATTGCTACAAGAACTTTGTGGCCAAGAAGTGTGCTGGATGCAAGAACC[C>A]CATCACTGGTAGGCTAAAGAGTCCTTGCTAAGTCTGCCAGGCTAGGTTTTGCGCATGGTA-3'
Protein context (NP_001153171.1, residues 233-253): VAKKCAGCKN[Pro243His]ITGFGKGSSV

ClinVar aggregate classification (germline): Uncertain significance. Review status: criteria provided, multiple submitters, no conflicts (2 of 4 stars). 4 submissions from 4 submitters: Uncertain significance (4). Last evaluated 2026-06-14.

Conditions:
Cardiovascular phenotype. Identifiers: MedGen CN230736.
X-linked myopathy with postural muscle atrophy. Also called: FHL1-Related Emery-Dreifuss Muscular Dystrophy, X-Linked. Identifiers: Orphanet 178461, MedGen C2678055, MONDO:0010401, OMIM 300696.

Allele frequency attached by ClinVar (database versions not stated): TOPMed 0.00003; gnomAD 0.00001; ExAC 0.00002; gnomAD exomes 0.00004.
gnomAD v4.1: 10 of 1,207,680 alleles (0.00083%); highest among the groups gnomAD compares: Admixed American, 0.017%; no homozygotes.

Submissions (4):

Ambry Genetics
Classification: Uncertain significance for Cardiovascular phenotype. Last evaluated: 2026-06-14. Review status: criteria provided, single submitter. Criteria: Ambry Variant Classification Scheme 2023. Collection method: clinical testing. Allele origin: germline.
Comment: The p.P227H variant (also known as c.680C>A), located in coding exon 4 of the FHL1 gene, results from a C to A substitution at nucleotide position 680. The proline at codon 227 is replaced by histidine, an amino acid with similar properties. This amino acid position is conserved. In addition, this alteration is predicted to be deleterious by in silico analysis. Based on the available evidence, the clinical significance of this variant remains unclear.

Labcorp Genetics (formerly Invitae), Labcorp
Classification: Uncertain significance for X-linked myopathy with postural muscle atrophy. Last evaluated: 2025-11-19. Review status: criteria provided, single submitter. Criteria: Invitae Variant Classification Sherloc (09022015). Collection method: clinical testing. Allele origin: germline.
Comment: This sequence change replaces proline, which is neutral and non-polar, with histidine, which is basic and polar, at codon 227 of the FHL1 protein (p.Pro227His). This variant is present in population databases (rs746311721, gnomAD 0.03%). This variant has not been reported in the literature in individuals affected with FHL1-related conditions. ClinVar contains an entry for this variant (Variation ID: 1418588). An algorithm developed to predict the effect of missense changes on protein structure and function (PolyPhen-2) suggests that this variant is likely to be disruptive. In summary, the available evidence is currently insufficient to determine the role of this variant in disease. Therefore, it has been classified as a Variant of Uncertain Significance.

Women's Health and Genetics/Laboratory Corporation of America, LabCorp
Classification: Uncertain significance. Last evaluated: 2025-01-22. Review status: criteria provided, single submitter. Criteria: LabCorp Variant Classification Summary - May 2015. Collection method: clinical testing. Allele origin: germline.
Comment: Variant summary: FHL1 c.680C>A (p.Pro227His) results in a non-conservative amino acid change in the encoded protein sequence. Five of five in-silico tools predict a damaging effect of the variant on protein function. The variant allele was found at a frequency of 3.8e-05 in 183425 control chromosomes (gnomAD). The available data on variant occurrences in the general population are insufficient to allow any conclusion about variant significance. To our knowledge, no occurrence of c.680C>A in individuals affected with X-linked myopathy with postural muscle atrophy and no experimental evidence demonstrating its impact on protein function have been reported. ClinVar contains an entry for this variant (Variation ID: 1418588). Based on the evidence outlined above, the variant was classified as uncertain significance.

Athena Diagnostics
Classification: Uncertain significance. Last evaluated: 2024-09-25. Review status: criteria provided, single submitter. Criteria: Athena Diagnostics Criteria. Collection method: clinical testing. Allele origin: unknown.